The following is an entry in ClinVar:

NM_017999.5(RNF31):c.1852G>A (p.Glu618Lys)

Gene: RNF31 (ring finger protein 31; plus strand). Cytogenetic location: 14q12.
Variant type: single nucleotide variant.
Coding change: c.1852G>A on transcript NM_017999.5 (MANE Select); coding-DNA position 1852, G replaced by A.
Protein change: p.Glu618Lys; replaces glutamic acid 618 with lysine.
Molecular consequence: missense variant.
Genome position (GRCh38, 1-based): chr14:24,151,599, G>A. VCF-style: chr14-24151599-G-A. GRCh37 (hg19) VCF-style: chr14-24620808-G-A.
Other names: c.1399G>A, p.Glu467Lys (NM_001310332.2); short protein forms E467K, E618K.
Identifiers: ClinVar variation 1470717 (VCV001470717.8), dbSNP rs2139081494, ClinGen allele CA389298525.

ClinVar aggregate classification (germline): Uncertain significance (1 of 4 stars; one submission).

Submission:

Labcorp Genetics (formerly Invitae), Labcorp
Classification: Uncertain significance. Last evaluated: 2021-04-09. Review status: criteria provided, single submitter. Criteria: Invitae Variant Classification Sherloc (09022015). Collection method: clinical testing. Allele origin: germline.
Comment: In summary, the available evidence is currently insufficient to determine the role of this variant in disease. Therefore, it has been classified as a Variant of Uncertain Significance. Algorithms developed to predict the effect of missense changes on protein structure and function are either unavailable or do not agree on the potential impact of this missense change (SIFT: "Tolerated"; PolyPhen-2: "Possibly Damaging"; Align-GVGD: "Class C0"). This variant has not been reported in the literature in individuals with RNF31-related conditions. This variant is not present in population databases (ExAC no frequency). This sequence change replaces glutamic acid with lysine at codon 618 of the RNF31 protein (p.Glu618Lys). The glutamic acid residue is moderately conserved and there is a small physicochemical difference between glutamic acid and lysine.